The following is an entry in ClinVar:

ClinVar aggregate classification (germline): Uncertain significance (1 of 4 stars; one submission).

gnomAD v4.1: 6 of 1,613,902 alleles (0.00037%); highest among the groups gnomAD compares: Admixed American, 0.005%; no homozygotes.

Submission:

Labcorp Genetics (formerly Invitae), Labcorp
Classification: Uncertain significance. Last evaluated: 2022-04-17. Review status: criteria provided, single submitter. Criteria: Invitae Variant Classification Sherloc (09022015). Collection method: clinical testing. Allele origin: germline.
Comment: This sequence change replaces arginine, which is basic and polar, with glycine, which is neutral and non-polar, at codon 426 of the COLGALT1 protein (p.Arg426Gly). This variant is present in population databases (rs754214674, gnomAD 0.006%). This variant has not been reported in the literature in individuals affected with COLGALT1-related conditions. Algorithms developed to predict the effect of missense changes on protein structure and function are either unavailable or do not agree on the potential impact of this missense change (SIFT: "Not Available"; PolyPhen-2: "Possibly Damaging"; Align-GVGD: "Not Available"). In summary, the available evidence is currently insufficient to determine the role of this variant in disease. Therefore, it has been classified as a Variant of Uncertain Significance.

NM_024656.4(COLGALT1):c.1276C>G (p.Arg426Gly)

Gene: COLGALT1 (collagen beta(1-O)galactosyltransferase 1; plus strand). Cytogenetic location: 19p13.11.
Variant type: single nucleotide variant.
Coding change: c.1276C>G on transcript NM_024656.4 (MANE Select); coding-DNA position 1276, C replaced by G.
Protein change: p.Arg426Gly; replaces arginine 426 with glycine.
Molecular consequence: missense variant.
Genome position (GRCh38, 1-based): chr19:17,579,491, C>G. VCF-style: chr19-17579491-C-G. GRCh37 (hg19) VCF-style: chr19-17690300-C-G.
Other names: short protein forms R426G.
Identifiers: ClinVar variation 1942054 (VCV001942054.5), dbSNP rs754214674, ClinGen allele CA9297256.
Genomic context (GRCh38, chr19:17,579,491, plus strand): 5'-GTCAGGCCTGGCCTTGGCCTCCCTGTGATGTGGCGGGGCTTCCTCCCTCAGGTGGTGGAC[C>G]GGGGGCTGCAGAAATCGCTTGTGTTTGAGGATGACCTGCGTTTTGAGATCTTCTTCAAGA-3'
Protein context (NP_078932.2, residues 416-436): HYNIWKEVVD[Arg426Gly]GLQKSLVFED